The following is an entry in ClinVar:

NM_001368882.1(COL13A1):c.1399-7T>G

Gene: COL13A1 (collagen type XIII alpha 1 chain; plus strand). Cytogenetic location: 10q22.1.
Variant type: single nucleotide variant.
Coding change: c.1399-7T>G on transcript NM_001368882.1 (MANE Select); 7 bases into the intron before coding-DNA position 1399, T replaced by G.
Molecular consequence: intron variant.
Genome position (GRCh38, 1-based): chr10:69,927,080, T>G. VCF-style: chr10-69927080-T-G. GRCh37 (hg19) VCF-style: chr10-71686836-T-G.
Other names: c.1336-7T>G (NM_001320951.2, NM_001368884.1); c.1366-7T>G (NM_001130103.2); c.1300-7T>G (NM_080801.4, NM_080802.4, NM_001368885.1); c.1309-7T>G (NM_080800.4, NM_001368895.1); c.736-7T>G (NM_001368886.1); c.1363-7T>G (NM_001368883.1); c.1213-7T>G (NM_080805.4); c.1222-7T>G (NM_001368897.1); and 1 more.
Identifiers: ClinVar variation 2003122 (VCV002003122.4), dbSNP rs2545400424, ClinGen allele CA2574569492.

ClinVar aggregate classification (germline): Uncertain significance (1 of 4 stars; one submission).

Submission:

Labcorp Genetics (formerly Invitae), Labcorp
Classification: Uncertain significance. Last evaluated: 2022-06-07. Review status: criteria provided, single submitter. Criteria: Invitae Variant Classification Sherloc (09022015). Collection method: clinical testing. Allele origin: germline.
Comment: This sequence change falls in intron 25 of the COL13A1 gene. It does not directly change the encoded amino acid sequence of the COL13A1 protein. This variant is not present in population databases (gnomAD no frequency). This variant has not been reported in the literature in individuals affected with COL13A1-related conditions. Algorithms developed to predict the effect of sequence changes on RNA splicing suggest that this variant may create or strengthen a splice site. In summary, the available evidence is currently insufficient to determine the role of this variant in disease. Therefore, it has been classified as a Variant of Uncertain Significance.